The following is an entry in ClinVar:

NM_004360.5(CDH1):c.2496G>A (p.Val832=)

Gene: CDH1 (cadherin 1; plus strand). Cytogenetic location: 16q22.1.
Variant type: single nucleotide variant.
Coding change: c.2496G>A on transcript NM_004360.5 (MANE Select); coding-DNA position 2496, G replaced by A.
Protein change: p.Val832=; no amino-acid change (valine 832 retained).
Molecular consequence: synonymous variant.
Genome position (GRCh38, 1-based): chr16:68,833,346, G>A. VCF-style: chr16-68833346-G-A. GRCh37 (hg19) VCF-style: chr16-68867249-G-A.
Other names: c.2313G>A, p.Val771= (NM_001317184.2); c.948G>A, p.Val316= (NM_001317185.2); c.531G>A, p.Val177= (NM_001317186.2).
Identifiers: ClinVar variation 1658649 (VCV001658649.9), dbSNP rs2152143935, ClinGen allele CA496393071.

ClinVar aggregate classification (germline): Benign/Likely benign. Review status: criteria provided, multiple submitters, no conflicts (2 of 4 stars). 2 submissions from 2 submitters: Benign (1); Likely benign (1). Last evaluated 2024-09-24.

Conditions:
Hereditary diffuse gastric adenocarcinoma (HDGC). Also called: DIFFUSE GASTRIC AND LOBULAR BREAST CANCER SYNDROME. Identifiers: Orphanet 26106, MedGen C1708349, MONDO:0007648, OMIM 137215.

Submissions (2):

Myriad Genetics, Inc.
Classification: Benign for Hereditary diffuse gastric adenocarcinoma. Last evaluated: 2024-09-24. Review status: criteria provided, single submitter. Criteria: Myriad Autosomal Dominant, Autosomal Recessive and X-Linked Classification Criteria (2023). Collection method: clinical testing. Allele origin: unknown.
Comment: This variant is considered benign. This variant is a silent/synonymous amino acid change and it is not expected to impact splicing.

Labcorp Genetics (formerly Invitae), Labcorp
Classification: Likely benign for Hereditary diffuse gastric adenocarcinoma. Last evaluated: 2020-12-04. Review status: criteria provided, single submitter. Criteria: Invitae Variant Classification Sherloc (09022015). Collection method: clinical testing. Allele origin: germline.